The following is an entry in ClinVar:

ClinVar aggregate classification (germline): Uncertain significance (0 of 4 stars; one submission).

Conditions:
Psychotic disorder. Also called: Psychosis. Identifiers: MedGen C0033975, MONDO:0005485, HP:0000709.

Submission:

Gene Discovery Core-Manton Center, Boston Children's Hospital
Classification: Uncertain significance for Psychotic disorder. Last evaluated: 2018-11-01. Review status: no assertion criteria provided. Collection method: clinical testing. Allele origin: paternal. Affected: yes. Observed: 1 variant allele, 1 heterozygote.
Comment: Prevalence in control populations indicates unlikely to be pathogenic.

GRCh37/hg19 2q13(chr2:110862474-110983457)x1

Genes: BUB1 (BUB1 mitotic checkpoint serine/threonine kinase; minus strand), LIMS4 (LIM zinc finger domain containing 4; minus strand), MALL (mal, T cell differentiation protein like; minus strand), NPHP1 (nephrocystin 1; minus strand), RGPD6 (RANBP2 like and GRIP domain containing 6; minus strand). Cytogenetic location: 2q13.
Variant type: copy number loss.
Change: copy number 1 (one copy instead of two) of chr2:110,862,474-110,983,457 (121.0 kb, GRCh37 coordinates, 1-based), cytogenetic band 2q13.
Identifiers: ClinVar variation 995854 (VCV000995854.3).